The following is an entry in ClinVar:

ClinVar aggregate classification (germline): Likely pathogenic. Review status: criteria provided, multiple submitters, no conflicts (2 of 4 stars). 3 submissions from 3 submitters: Likely pathogenic (2). 1 of the submissions does not count toward it. Last evaluated 2024-03-04.

Conditions:
Arthrogryposis multiplex congenita 6. Identifiers: MedGen C5543431, MONDO:0030281, OMIM 619334.
Nemaline myopathy 2 (NEM2). Also called: Nemaline myopathy 2, autosomal recessive. Identifiers: MedGen C1850569, MONDO:0009725, OMIM 256030.

Allele frequency attached by ClinVar (database versions not stated): gnomAD 0.00001.
gnomAD v4.1: 1 of 1,611,586 alleles (0.000062%); highest among the groups gnomAD compares: Admixed American, 0.0017%; no homozygotes.

Submissions (3):

Labcorp Genetics (formerly Invitae), Labcorp
Classification: Likely pathogenic for Nemaline myopathy 2. Last evaluated: 2024-03-04. Review status: criteria provided, single submitter. Criteria: Invitae Variant Classification Sherloc (09022015). Collection method: clinical testing. Allele origin: germline.
Comment: This sequence change affects an acceptor splice site in intron 14 of the NEB gene. It is expected to disrupt RNA splicing. Variants that disrupt the donor or acceptor splice site typically lead to a loss of protein function (PMID: 16199547), and loss-of-function variants in NEB are known to be pathogenic (PMID: 25205138). This variant is not present in population databases (gnomAD no frequency). This variant has not been reported in the literature in individuals affected with NEB-related conditions. ClinVar contains an entry for this variant (Variation ID: 552027). Algorithms developed to predict the effect of sequence changes on RNA splicing suggest that this variant may disrupt the consensus splice site. In summary, the currently available evidence indicates that the variant is pathogenic, but additional data are needed to prove that conclusively. Therefore, this variant has been classified as Likely Pathogenic.

Baylor Genetics
Classification: Likely pathogenic for Arthrogryposis multiplex congenita 6. Last evaluated: 2024-02-06. Review status: criteria provided, single submitter. Criteria: ACMG Guidelines, 2015. Collection method: clinical testing. Allele origin: unknown.

Counsyl
Classification: Likely pathogenic for Nemaline myopathy 2. Last evaluated: 2017-05-19. Review status: no assertion criteria provided. Collection method: clinical testing. Allele origin: unknown. Not counted in ClinVar's aggregate classification.

Literature cited by the submitters: PubMed 16199547 (cited by Labcorp Genetics (formerly Invitae), Labcorp); PubMed 25205138 (cited by Labcorp Genetics (formerly Invitae), Labcorp).

NM_001164508.2(NEB):c.1258-2A>G

Gene: NEB (nebulin; minus strand). Cytogenetic location: 2q23.3.
Variant type: single nucleotide variant.
Coding change: c.1258-2A>G on transcript NM_001164508.2 (MANE Select); the canonical splice acceptor site of the intron before coding-DNA position 1258, A replaced by G.
Molecular consequence: splice acceptor variant.
Genome position (GRCh38, 1-based): chr2:151,697,459, T>C on the plus strand (A>G on the coding strand, the complement: NEB is on the minus strand). VCF-style: chr2-151697459-T-C. GRCh37 (hg19) VCF-style: chr2-152553973-T-C.
Other names: c.1258-2A>G (NM_004543.5, NM_001164507.2, NM_001271208.2).
Identifiers: ClinVar variation 552027 (VCV000552027.12), dbSNP rs1553608621, ClinGen allele CA348825795.